The following is an entry in ClinVar:

ClinVar aggregate classification (germline): Uncertain significance. Review status: criteria provided, multiple submitters, no conflicts (2 of 4 stars). 2 submissions from 2 submitters: Uncertain significance (2). Last evaluated 2023-05-31.

Conditions:
Familial thoracic aortic aneurysm and aortic dissection (TAAD). Also called: Thoracic aortic aneurysms and dissections. Identifiers: Orphanet 91387, MedGen C4707243, MONDO:0019625.

Submissions (2):

Labcorp Genetics (formerly Invitae), Labcorp
Classification: Uncertain significance for Familial thoracic aortic aneurysm and aortic dissection. Last evaluated: 2023-05-31. Review status: criteria provided, single submitter. Criteria: Invitae Variant Classification Sherloc (09022015). Collection method: clinical testing. Allele origin: germline.
Comment: This variant, c.705_707del, results in the deletion of 1 amino acid(s) of the TGFBR1 protein (p.Ser236del), but otherwise preserves the integrity of the reading frame. This variant is not present in population databases (gnomAD no frequency). In summary, the available evidence is currently insufficient to determine the role of this variant in disease. Therefore, it has been classified as a Variant of Uncertain Significance. Experimental studies and prediction algorithms are not available or were not evaluated, and the functional significance of this variant is currently unknown. ClinVar contains an entry for this variant (Variation ID: 213897). This variant has been observed in individual(s) with clinical features of Loeys-Dietz syndrome or Marfan syndrome (PMID: 29543232, 31279624).

Ambry Genetics
Classification: Uncertain significance for Familial thoracic aortic aneurysm and aortic dissection. Last evaluated: 2017-02-14. Review status: criteria provided, single submitter. Criteria: Ambry Variant Classification Scheme 2023. Collection method: clinical testing. Allele origin: germline.
Comment: The c.705_707delCTC variant (also known as p.S236del) is located in coding exon 4 of the TGFBR1 gene. This variant results from an in-frame deletion of 3 nucleotides at positions 705 to 707, causing the removal of a highly-conserved serine residue at codon 236. Since supporting evidence is limited at this time, the clinical significance of this alteration remains unclear.

Literature cited by the submitters: PubMed 29543232 (cited by Labcorp Genetics (formerly Invitae), Labcorp); PubMed 31279624 (cited by Labcorp Genetics (formerly Invitae), Labcorp).

NM_004612.4(TGFBR1):c.702CTC[1] (p.Ser236del)

Gene: TGFBR1 (transforming growth factor beta receptor 1; plus strand). Cytogenetic location: 9q22.33.
Variant type: Microsatellite.
Coding change: c.702CTC[1] on transcript NM_004612.4 (MANE Select); one copy of the 3-base unit CTC starting at c.702; the reference has two copies in a row; one copy, 3 bases deleted.
Protein change: p.Ser236del; deletes serine 236.
Molecular consequence: inframe deletion.
Genome position (GRCh38, 1-based): chr9:99,137,989-99,137,991, CTC deleted; deleting any 3 consecutive bases within chr9:99,137,986-99,137,991 gives the same sequence; the position shown is the placement nearest the transcript's 3' end. VCF-style (leftmost placement, unchanged base first): chr9-99137985-TCTC-T. GRCh37 (hg19) VCF-style: chr9-101900267-TCTC-T.
Other names: c.471CTC[1], p.Ser159del (NM_001130916.3); c.714CTC[1], p.Ser240del (NM_001306210.2); short protein forms S236del, S159del, S240del.
Identifiers: ClinVar variation 213897 (VCV000213897.14), dbSNP rs863223830, ClinGen allele CA323464.